The following is an entry in ClinVar:

NM_001134363.3(RBM20):c.1066A>G (p.Thr356Ala)

Gene: RBM20 (RNA binding motif protein 20; plus strand). Cytogenetic location: 10q25.2.
Variant type: single nucleotide variant.
Coding change: c.1066A>G on transcript NM_001134363.3 (MANE Select); coding-DNA position 1066, A replaced by G.
Protein change: p.Thr356Ala; replaces threonine 356 with alanine.
Molecular consequence: missense variant.
Genome position (GRCh38, 1-based): chr10:110,781,675, A>G. VCF-style: chr10-110781675-A-G. GRCh37 (hg19) VCF-style: chr10-112541433-A-G.
Other names: short protein forms T356A.
Identifiers: ClinVar variation 3674458 (VCV003674458.1).

ClinVar aggregate classification (germline): Uncertain significance (1 of 4 stars; one submission).

Conditions:
Dilated cardiomyopathy 1DD (CMD1DD). Identifiers: Orphanet 154, MedGen C2750995, MONDO:0013168, OMIM 613172.

gnomAD v4.1: 4 of 1,549,052 alleles (0.00026%); highest among the groups gnomAD compares: South Asian, 0.0048%; no homozygotes.

Submission:

Labcorp Genetics (formerly Invitae), Labcorp
Classification: Uncertain significance for Dilated cardiomyopathy 1DD. Last evaluated: 2025-01-12. Review status: criteria provided, single submitter. Criteria: Invitae Variant Classification Sherloc (09022015). Collection method: clinical testing. Allele origin: germline.
Comment: This sequence change replaces threonine, which is neutral and polar, with alanine, which is neutral and non-polar, at codon 356 of the RBM20 protein (p.Thr356Ala). This variant is not present in population databases (gnomAD no frequency). This variant has not been reported in the literature in individuals affected with RBM20-related conditions. Invitae Evidence Modeling of protein sequence and biophysical properties (such as structural, functional, and spatial information, amino acid conservation, physicochemical variation, residue mobility, and thermodynamic stability) indicates that this missense variant is not expected to disrupt RBM20 protein function with a negative predictive value of 95%. In summary, the available evidence is currently insufficient to determine the role of this variant in disease. Therefore, it has been classified as a Variant of Uncertain Significance.